The following is an entry in ClinVar:

ClinVar aggregate classification (germline): Uncertain significance. Review status: criteria provided, multiple submitters, no conflicts (2 of 4 stars). 2 submissions from 2 submitters: Uncertain significance (2). Last evaluated 2024-12-11.

Conditions:
ALMS1-related disorder. Also called: ALMS1-related condition.
Alstrom syndrome (ALMS). Identifiers: Orphanet 64, MedGen C0268425, MONDO:0008763, OMIM 203800.

Submissions (2):

Revvity Omics, Revvity
Classification: Uncertain significance for Alstrom syndrome. Last evaluated: 2024-12-11. Review status: criteria provided, single submitter. Criteria: ACMG Guidelines, 2015. Collection method: clinical testing. Allele origin: germline.

PreventionGenetics, part of Exact Sciences
Classification: Uncertain significance for ALMS1-related condition. Last evaluated: 2023-02-10. Review status: criteria provided, single submitter. Criteria: ACMG Guidelines, 2015. Collection method: clinical testing. Allele origin: germline.
Comment: The ALMS1 c.5839A>G variant is predicted to result in the amino acid substitution p.Ser1947Gly. To our knowledge, this variant has not been reported in the literature. This variant is reported in 0.042% of alleles in individuals of Latino descent in gnomAD. At this time, the clinical significance of this variant is uncertain due to the absence of conclusive functional and genetic evidence.

NM_001378454.1(ALMS1):c.5836A>G (p.Lys1946Glu)

Gene: ALMS1 (ALMS1 centrosome and basal body associated protein; plus strand). Cytogenetic location: 2p13.1.
Variant type: single nucleotide variant.
Coding change: c.5836A>G on transcript NM_001378454.1 (MANE Select); coding-DNA position 5836, A replaced by G.
Protein change: p.Lys1946Glu; replaces lysine 1946 with glutamic acid.
Molecular consequence: missense variant.
Genome position (GRCh38, 1-based): chr2:73,452,363, A>G. VCF-style: chr2-73452363-A-G. GRCh37 (hg19) VCF-style: chr2-73679490-A-G.
Other names: c.5839A>G, p.Lys1947Glu (NM_015120.4); short protein forms K1946E, K1947E.
Identifiers: ClinVar variation 2634031 (VCV002634031.2), dbSNP rs1366659728, ClinGen allele CA347283473.